The following is an entry in ClinVar:

GRCh37/hg19 14q32.33(chr14:104764078-107285437)x1

Genes: ZBTB42 (zinc finger and BTB domain containing 42; plus strand), ADSS1 (adenylosuccinate synthase 1; plus strand), AHNAK2 (AHNAK nucleoprotein 2; minus strand), AKT1 (AKT serine/threonine kinase 1; minus strand), BRF1 (BRF1 RNA polymerase III transcription initiation factor subunit; minus strand) and 31 more. Cytogenetic location: 14q32.33.
Variant type: copy number loss.
Change: copy number 1 (one copy instead of two) of chr14:104,764,078-107,285,437 (2.52 Mb, GRCh37 coordinates, 1-based), cytogenetic band 14q32.33.
Identifiers: ClinVar variation 815682 (VCV000815682.2).

ClinVar aggregate classification (germline): Pathogenic (1 of 4 stars; one submission).

Submission:

Quest Diagnostics Nichols Institute San Juan Capistrano
Classification: Pathogenic. Last evaluated: 2023-06-22. Review status: criteria provided, single submitter. Criteria: ACMG/ClinGen CNV Guidelines, 2019. Collection method: clinical testing. Allele origin: unknown.
Comment: Terminal deletions involving 14q32.33 are relatively rare but associated with the emerging 14q32.3 terminal deletion syndrome (Darcy 2011, Engels 2012, Holder 2012, Maurin 2006, Wu 2010, Zollino 2012). Furthermore, weakened immune response and heightened infection susceptibility have been reported in some 14q32.33 deletion carriers (Geier 2017). There are no similar copy number losses of this region in the general populations of the Database of Genomic Variants. Therefore, based on current medical literature, this copy number variant (CNV) is classified as pathogenic. References: Darcy et al., Case Rep Genet. 2011;2011:306072. PMID: 23074674 Engels et al., Am J Med Genet A. 2012 Apr;158A(4):695-706. PMID: 22367666 Geier et al., Clin Immunol. 2017 Oct;183:41-45. PMID: 28705765 Holder JL et al., Am J Med Genet A. 2012 Aug;158A(8):1962-6. PMID: 22488736 Maurin et al., Am J Med Genet A. 2006 Nov 1;140(21):2324-9. PMID: 17022077 Wu et al., BMC Med Genet. 2010 May 11;11:72. PMID: 20459802 Zollino et al., Eur J Med Genet. 2012 May;55(5):374-80. PMID: 22564756